The following is an entry in ClinVar:

ClinVar aggregate classification (germline): Uncertain significance (1 of 4 stars; one submission).

Submission:

Labcorp Genetics (formerly Invitae), Labcorp
Classification: Uncertain significance. Last evaluated: 2025-07-06. Review status: criteria provided, single submitter. Criteria: Invitae Variant Classification Sherloc (09022015). Collection method: clinical testing. Allele origin: germline.
Comment: This sequence change creates a premature translational stop signal (p.Asn1516Metfs*10) in the SAMD9L gene. While this is not anticipated to result in nonsense mediated decay, it is expected to disrupt the last 69 amino acid(s) of the SAMD9L protein. This variant is not present in population databases (gnomAD no frequency). This variant has not been reported in the literature in individuals affected with SAMD9L-related conditions. ClinVar contains an entry for this variant (Variation ID: 3684411). Experimental studies and prediction algorithms are not available or were not evaluated, and the functional significance of this variant is currently unknown. In summary, the available evidence is currently insufficient to determine the role of this variant in disease. Therefore, it has been classified as a Variant of Uncertain Significance.

NM_152703.5(SAMD9L):c.4547del (p.Asn1516fs)

Gene: SAMD9L (sterile alpha motif domain containing 9 like; minus strand). Cytogenetic location: 7q21.2.
Variant type: Deletion.
Coding change: c.4547del on transcript NM_152703.5 (MANE Select); coding-DNA position 4547, one base deleted (A; older notation c.4547delA).
Protein change: p.Asn1516fs; shifts the reading frame from asparagine 1516.
Molecular consequence: frameshift variant.
Genome position (GRCh38, 1-based): chr7:93,131,425, T deleted on the plus strand (A on the coding strand, the reverse complement: SAMD9L is on the minus strand); the first of 8 consecutive T bases (chr7:93,131,425-93,131,432); deleting any one gives the same sequence. VCF-style (leftmost placement, unchanged base first): chr7-93131424-AT-A. GRCh37 (hg19) VCF-style: chr7-92760737-AT-A.
Other names: c.4547del, p.Asn1516fs (NM_001303500.3, NM_001350082.2, NM_001350083.2 and 5 more transcripts); short protein forms N1516fs.
Identifiers: ClinVar variation 3684411 (VCV003684411.2).